The following is an entry in ClinVar:

ClinVar aggregate classification (germline): Uncertain significance (1 of 4 stars; one submission).

Allele frequency attached by ClinVar (database versions not stated): TOPMed below 0.00001.

Submission:

Labcorp Genetics (formerly Invitae), Labcorp
Classification: Uncertain significance. Last evaluated: 2022-07-05. Review status: criteria provided, single submitter. Criteria: Invitae Variant Classification Sherloc (09022015). Collection method: clinical testing. Allele origin: germline.
Comment: ClinVar contains an entry for this variant (Variation ID: 1358990). This variant has not been reported in the literature in individuals affected with LBR-related conditions. This variant is not present in population databases (gnomAD no frequency). This sequence change replaces phenylalanine, which is neutral and non-polar, with serine, which is neutral and polar, at codon 220 of the LBR protein (p.Phe220Ser). Algorithms developed to predict the effect of missense changes on protein structure and function are either unavailable or do not agree on the potential impact of this missense change (SIFT: "Deleterious"; PolyPhen-2: "Benign"; Align-GVGD: "Class C0"). In summary, the available evidence is currently insufficient to determine the role of this variant in disease. Therefore, it has been classified as a Variant of Uncertain Significance.

NM_002296.4(LBR):c.659T>C (p.Phe220Ser)

Gene: LBR (lamin B receptor; minus strand). Cytogenetic location: 1q42.12.
Variant type: single nucleotide variant.
Coding change: c.659T>C on transcript NM_002296.4 (MANE Select); coding-DNA position 659, T replaced by C.
Protein change: p.Phe220Ser; replaces phenylalanine 220 with serine.
Molecular consequence: missense variant.
Genome position (GRCh38, 1-based): chr1:225,418,162, A>G on the plus strand (T>C on the coding strand, the complement: LBR is on the minus strand). VCF-style: chr1-225418162-A-G. GRCh37 (hg19) VCF-style: chr1-225605864-A-G.
Other names: c.659T>C, p.Phe220Ser (NM_194442.3); short protein forms F220S.
Identifiers: ClinVar variation 1358990 (VCV001358990.8), dbSNP rs201056244, ClinGen allele CA38518553.
Genomic context (GRCh38, chr1:225,418,162, plus strand): 5'-AGACTGGGATCTTTCTGTTTACACATCAACAGCAACAGGAAGAGGAACACAGGCAGGCCA[A>G]ACATGATGAGAAACACACCTGCAAACAATTCATGAACATTCGAGGCTCAAATTTCAATCT-3'
Protein context (NP_002287.2, residues 210-230): GGVPGVFLIM[Phe220Ser]GLPVFLFLLL